The following is an entry in ClinVar:

NM_006767.4(LZTR1):c.2239TAC[2] (p.Tyr749del)

Gene: LZTR1 (leucine zipper like post translational regulator 1; plus strand). Cytogenetic location: 22q11.21.
Variant type: Microsatellite.
Coding change: c.2239TAC[2] on transcript NM_006767.4 (MANE Select); two copies in a row of the 3-base unit TAC starting at c.2239; the reference has three copies in a row; one copy, 3 bases deleted.
Protein change: p.Tyr749del; deletes tyrosine 749.
Genome position (GRCh38, 1-based): chr22:20,996,721-20,996,723, TAC deleted; deleting any 3 consecutive bases within chr22:20,996,714-20,996,723 gives the same sequence; the position shown is the placement nearest the transcript's 3' end. VCF-style (leftmost placement, unchanged base first): chr22-20996713-CCTA-C. GRCh37 (hg19) VCF-style: chr22-21351002-CCTA-C.
Other names: short protein forms Y749del.
Identifiers: ClinVar variation 3700161 (VCV003700161.2).

ClinVar aggregate classification (germline): Uncertain significance (1 of 4 stars; one submission).

Submission:

Labcorp Genetics (formerly Invitae), Labcorp
Classification: Uncertain significance. Last evaluated: 2025-01-16. Review status: criteria provided, single submitter. Criteria: Invitae Variant Classification Sherloc (09022015). Collection method: clinical testing. Allele origin: germline.
Comment: This variant, c.2245_2247del, results in the deletion of 1 amino acid(s) of the LZTR1 protein (p.Tyr749del), but otherwise preserves the integrity of the reading frame. This variant is present in population databases (rs775265747, gnomAD 0.002%). This variant has not been reported in the literature in individuals affected with LZTR1-related conditions. This variant disrupts a region of the LZTR1 protein in which other variant(s) (p.Tyr749Cys) have been observed in individuals with LZTR1-related conditions (PMID: 30859559). This suggests that this is a clinically significant region of the protein, and that variants that disrupt it are likely to be disease-causing. In summary, the available evidence is currently insufficient to determine the role of this variant in disease. Therefore, it has been classified as a Variant of Uncertain Significance.

Literature cited by the submitters: PubMed 30859559.